The following is an entry in ClinVar:

ClinVar aggregate classification (germline): Uncertain significance (1 of 4 stars; one submission).

Allele frequency attached by ClinVar (database versions not stated): gnomAD exomes below 0.00001.
gnomAD v4.1: 2 of 1,551,510 alleles (0.00013%); highest among the groups gnomAD compares: Non-Finnish European, 0.00017%; no homozygotes.

Submission:

Labcorp Genetics (formerly Invitae), Labcorp
Classification: Uncertain significance. Last evaluated: 2024-03-10. Review status: criteria provided, single submitter. Criteria: Invitae Variant Classification Sherloc (09022015). Collection method: clinical testing. Allele origin: germline.
Comment: This sequence change falls in intron 24 of the ITGAM gene. It does not directly change the encoded amino acid sequence of the ITGAM protein. This variant is not present in population databases (gnomAD no frequency). This variant has not been reported in the literature in individuals affected with ITGAM-related conditions. Algorithms developed to predict the effect of sequence changes on RNA splicing suggest that this variant may disrupt the consensus splice site. In summary, the available evidence is currently insufficient to determine the role of this variant in disease. Therefore, it has been classified as a Variant of Uncertain Significance.

NM_000632.4(ITGAM):c.2869-7G>A

Gene: ITGAM (integrin subunit alpha M; plus strand). Cytogenetic location: 16p11.2.
Variant type: single nucleotide variant.
Coding change: c.2869-7G>A on transcript NM_000632.4 (MANE Select); 7 bases into the intron before coding-DNA position 2869, G replaced by A.
Molecular consequence: intron variant.
Genome position (GRCh38, 1-based): chr16:31,329,791, G>A. VCF-style: chr16-31329791-G-A. GRCh37 (hg19) VCF-style: chr16-31341112-G-A.
Other names: c.2872-7G>A (NM_001145808.2).
Identifiers: ClinVar variation 2738398 (VCV002738398.3), dbSNP rs2080555958, ClinGen allele CA2216986283.